The following is an entry in ClinVar:

NM_175914.5(HNF4A):c.1309C>A (p.Pro437Thr)

Gene: HNF4A (hepatocyte nuclear factor 4 alpha; plus strand). Cytogenetic location: 20q13.12.
Variant type: single nucleotide variant.
Coding change: c.1309C>A on transcript NM_175914.5 (MANE Select); coding-DNA position 1309, C replaced by A.
Protein change: p.Pro437Thr; replaces proline 437 with threonine.
Molecular consequence: missense variant.
Genome position (GRCh38, 1-based): chr20:44,429,615, C>A. VCF-style: chr20-44429615-C-A. GRCh37 (hg19) VCF-style: chr20-43058255-C-A.
Other names: NM_175914.5(HNF4A):c.1309C>A; p.Pro437Thr; c.1375C>A, p.Pro459Thr (NM_000457.6); c.1279C>A, p.Pro427Thr (NM_001030003.3); c.1354C>A, p.Pro452Thr (NM_001258355.2); c.1270C>A, p.Pro424Thr (NM_001287182.2); c.1300C>A, p.Pro434Thr (NM_001287183.2); c.1345C>A, p.Pro449Thr (NM_178849.3); short protein forms P424T, P427T, P434T, P437T, P449T, P452T, P459T.
Identifiers: ClinVar variation 987830 (VCV000987830.6), dbSNP rs2063853373, ClinGen allele CA409110472.

ClinVar aggregate classification (germline): Uncertain significance. Review status: reviewed by expert panel (3 of 4 stars). 3 submissions from 3 submitters: Uncertain significance (1). 2 of the submissions do not count toward it. Last evaluated 2024-08-01.

Conditions:
Monogenic diabetes. Identifiers: Orphanet 183625, MedGen C3888631, MONDO:0015967.

Allele frequency attached by ClinVar (database versions not stated): gnomAD exomes below 0.00001.
gnomAD v4.1: 1 of 1,614,096 alleles (0.000062%); highest among the groups gnomAD compares: Non-Finnish European, 0.000085%; no homozygotes.

Submissions (3):

ClinGen Monogenic Diabetes Variant Curation Expert Panel
Classification: Uncertain significance for Monogenic diabetes. Last evaluated: 2024-08-01. Review status: reviewed by expert panel. Criteria: ClinGen Diabetes ACMG Specifications HNF4A V2.0.0. Collection method: curation. Allele origin: germline. Inheritance: Autosomal dominant inheritance.
Comment: The c.1309C>A variant in the hepatocyte nuclear factor 4-alpha gene, HNF4A, causes an amino acid change of proline to threonine at codon 437 (p.(Pro437Thr)) of NM_175914.5. This variant is predicted to be benign by computational evidence, with a REVEL score of 0.143, which is less than the MDEP threshold of 0.15 (BP4). This variant is absent from gnomAD v2.1.1 (PM2_Supporting). This variant was identified in 3 unrelated individuals with non-autoimmune and non-absolute/near-absolute insulin-deficient diabetes; however, PS4_Moderate cannot be applied because this number is below the ClinGen MDEP threshold (PMID: 29758564, internal lab contributors). In summary, c.1309C>A meets the criteria to be classified as a variant of uncertain significance for monogenic diabetes. ACMG/AMP criteria applied, as specified by the ClinGen MDEP (specification version 2.0.0, approved 10/11/2023): BP4, PM2_Supporting.

Labcorp Genetics (formerly Invitae), Labcorp
Classification: Uncertain significance. Last evaluated: 2024-04-22. Review status: criteria provided, single submitter. Criteria: Invitae Variant Classification Sherloc (09022015). Collection method: clinical testing. Allele origin: germline. Not counted in ClinVar's aggregate classification.
Comment: This sequence change replaces proline, which is neutral and non-polar, with threonine, which is neutral and polar, at codon 437 of the HNF4A protein (p.Pro437Thr). This variant is not present in population databases (gnomAD no frequency). This missense change has been observed in individual(s) with maturity onset diabetes of the young (PMID: 29758564). ClinVar contains an entry for this variant (Variation ID: 987830). Advanced modeling of protein sequence and biophysical properties (such as structural, functional, and spatial information, amino acid conservation, physicochemical variation, residue mobility, and thermodynamic stability) has been performed at Invitae for this missense variant, however the output from this modeling did not meet the statistical confidence thresholds required to predict the impact of this variant on HNF4A protein function. In summary, the available evidence is currently insufficient to determine the role of this variant in disease. Therefore, it has been classified as a Variant of Uncertain Significance.

Women's Health and Genetics/Laboratory Corporation of America, LabCorp
Classification: Uncertain significance. Last evaluated: 2020-11-18. Review status: criteria provided, single submitter. Criteria: LabCorp Variant Classification Summary - May 2015. Collection method: clinical testing. Allele origin: germline. Not counted in ClinVar's aggregate classification.
Comment: Variant summary: HNF4A c.1309C>A (p.Pro437Thr) results in a non-conservative amino acid change in the encoded protein sequence. Three of five in-silico tools predict a benign effect of the variant on protein function. The variant was absent in 251450 control chromosomes (gnomAD). The available data on variant occurrences in the general population are insufficient to allow any conclusion about variant significance. c.1309C>A (also found in literature as c.1300C>A, p.P434T) has been reported in the literature in an overweight/obese adolescent with Type 2 Diabetes (Kleinberger_2018). To our knowledge, no experimental evidence demonstrating its impact on protein function have been reported. No clinical diagnostic laboratories have submitted clinical-significance assessments for this variant to ClinVar after 2014. Based on the evidence outlined above, the variant was classified as uncertain significance.

Literature cited by the submitters: PubMed 29758564 (cited by Labcorp Genetics (formerly Invitae), Labcorp and Women's Health and Genetics/Laboratory Corporation of America, LabCorp).